The following is an entry in ClinVar:

ClinVar aggregate classification (germline): Likely benign. Review status: criteria provided, multiple submitters, no conflicts (2 of 4 stars). 3 submissions from 3 submitters: Likely benign (2). 1 of the submissions does not count toward it. Last evaluated 2026-07-01.

Conditions:
DST-related disorder. Also called: DST-related condition; DST-related disorders.

Allele frequency attached by ClinVar (database versions not stated): 1000 Genomes Project 30x 0.00031; 1000 Genomes Project 0.00040; TOPMed 0.00236; ESP Exome Variant Server 0.00243; gnomAD 0.00268; gnomAD exomes 0.00441.
gnomAD v4.1: 6,648 of 1,562,278 alleles (0.43%); highest among the groups gnomAD compares: Non-Finnish European, 0.53%; 25 homozygotes.

Submissions (3):

CeGaT Center for Human Genetics Tuebingen
Classification: Likely benign. Last evaluated: 2026-07-01. Review status: criteria provided, single submitter. Criteria: CeGaT Center For Human Genetics Tuebingen Variant Classification Criteria Version 2. Collection method: clinical testing. Allele origin: germline. Affected: yes. Observed: 13 variant alleles.
Comment: DST: BP4, BS2

Blueprint Genetics
Classification: Likely benign. Last evaluated: 2024-11-08. Review status: criteria provided, single submitter. Criteria: ACMG Guidelines, 2015. Collection method: clinical testing. Allele origin: germline.

PreventionGenetics, part of Exact Sciences
Classification: Likely benign for DST-related condition. Last evaluated: 2024-03-25. Review status: no assertion criteria provided. Collection method: clinical testing. Allele origin: germline. Not counted in ClinVar's aggregate classification.
Comment: This variant is classified as likely benign based on ACMG/AMP sequence variant interpretation guidelines (Richards et al. 2015 PMID: 25741868, with internal and published modifications).

NM_001374736.1(DST):c.625+8249G>C

Gene: DST (dystonin; minus strand). Cytogenetic location: 6p12.1.
Variant type: single nucleotide variant.
Coding change: c.625+8249G>C on transcript NM_001374736.1 (MANE Select); 8249 bases into the intron after coding-DNA position 625, G replaced by C.
Molecular consequence: intron variant. On other transcripts: 5 prime UTR variant (4).
Genome position (GRCh38, 1-based): chr6:56,843,148, C>G on the plus strand (G>C on the coding strand, the complement: DST is on the minus strand). VCF-style: chr6-56843148-C-G. GRCh37 (hg19) VCF-style: chr6-56707946-C-G.
Other names: c.-3G>C (NM_001374729.1, NM_001374730.1, NM_001386100.1 and 1 more transcripts); c.625+8249G>C (NM_001144769.5, NM_001374722.1, NM_001144769.2); c.652+8249G>C (NM_001374734.1); c.211+8249G>C (NM_001144770.2).
Identifiers: ClinVar variation 3024852 (VCV003024852.24), dbSNP rs182517599, ClinGen allele CA3871918.